The following is an entry in ClinVar:

NM_000429.3(MAT1A):c.1021A>G (p.Thr341Ala)

Gene: MAT1A (methionine adenosyltransferase 1A; minus strand). Cytogenetic location: 10q22.3.
Variant type: single nucleotide variant.
Coding change: c.1021A>G on transcript NM_000429.3 (MANE Select); coding-DNA position 1021, A replaced by G.
Protein change: p.Thr341Ala; replaces threonine 341 with alanine.
Molecular consequence: missense variant.
Genome position (GRCh38, 1-based): chr10:80,274,584, T>C on the plus strand (A>G on the coding strand, the complement: MAT1A is on the minus strand). VCF-style: chr10-80274584-T-C. GRCh37 (hg19) VCF-style: chr10-82034340-T-C.
Other names: short protein forms T341A.
Identifiers: ClinVar variation 3707761 (VCV003707761.2).
Genomic context (GRCh38, chr10:80,274,584, plus strand): 5'-CAATGACGCCCGGCCGGAGGTCGAAGTTCTTATGCACCACATCCAGCAGCTCTCGCTCTG[T>C]CTTCTGAGAGGTTCCGTAGGTGAAGATGGAAATGGACAGCGGCTCGGCCACACCAATGGC-3'
Protein context (NP_000420.1, residues 331-351): SIFTYGTSQK[Thr341Ala]ERELLDVVHK

ClinVar aggregate classification (germline): Uncertain significance (1 of 4 stars; one submission).

Conditions:
Hepatic methionine adenosyltransferase deficiency. Also called: Deficiency of methionine adenosyltransferase; Isolated Persistent Hypermethioninemia; MAT I/III DEFICIENCY; Methionine adenosyltransferase deficiency. Identifiers: Orphanet 168598, MedGen C0268621, MeSH C564683, MONDO:0009607, OMIM 250850.

Submission:

Labcorp Genetics (formerly Invitae), Labcorp
Classification: Uncertain significance for Hepatic methionine adenosyltransferase deficiency. Last evaluated: 2024-09-27. Review status: criteria provided, single submitter. Criteria: Invitae Variant Classification Sherloc (09022015). Collection method: clinical testing. Allele origin: germline.
Comment: This sequence change replaces threonine, which is neutral and polar, with alanine, which is neutral and non-polar, at codon 341 of the MAT1A protein (p.Thr341Ala). This variant is present in population databases (rs761008211, gnomAD 0.004%). This variant has not been reported in the literature in individuals affected with MAT1A-related conditions. Invitae Evidence Modeling of protein sequence and biophysical properties (such as structural, functional, and spatial information, amino acid conservation, physicochemical variation, residue mobility, and thermodynamic stability) indicates that this missense variant is not expected to disrupt MAT1A protein function with a negative predictive value of 80%. In summary, the available evidence is currently insufficient to determine the role of this variant in disease. Therefore, it has been classified as a Variant of Uncertain Significance.